The following is an entry in ClinVar:

NM_001257180.2(SLC20A2):c.1701G>A (p.Thr567=)

Gene: SLC20A2 (solute carrier family 20 member 2; minus strand). Cytogenetic location: 8p11.21.
Variant type: single nucleotide variant.
Coding change: c.1701G>A on transcript NM_001257180.2 (MANE Select); coding-DNA position 1701, G replaced by A.
Protein change: p.Thr567=; no amino-acid change (threonine 567 retained).
Molecular consequence: synonymous variant.
Genome position (GRCh38, 1-based): chr8:42,430,072, C>T on the plus strand (G>A on the coding strand, the complement: SLC20A2 is on the minus strand). VCF-style: chr8-42430072-C-T. GRCh37 (hg19) VCF-style: chr8-42287590-C-T.
Other names: c.1701G>A, p.Thr567= (NM_001257181.2, NM_006749.5); c.1701G>A (NM_001257180.1).
Identifiers: ClinVar variation 909279 (VCV000909279.10), dbSNP rs771290596, ClinGen allele CA4733252.

ClinVar aggregate classification (germline): Likely benign. Review status: criteria provided, multiple submitters, no conflicts (2 of 4 stars). 3 submissions from 3 submitters: Likely benign (2). 1 of the submissions does not count toward it. Last evaluated 2024-11-04.

Conditions:
Idiopathic basal ganglia calcification 1 (PFBC1A). Also called: Cerebral calcification nonarteriosclerotic idiopathic adult-onset; Striopallidodentate calcinosis autosomal dominant adult-onset; Ferrocalcinosis, cerebrovascular; Fahr disease, familial (formerly); PRIMARY FAMILIAL BRAIN CALCIFICATION 1A, AUTOSOMAL DOMINANT; Familial Idiopathic Basal Ganglia Calcification 3. Identifiers: Orphanet 1980, MedGen C4551624, MONDO:0024538, OMIM 213600.
SLC20A2-related disorder. Also called: SLC20A2-related condition.

Allele frequency attached by ClinVar (database versions not stated): gnomAD exomes 0.00002 and 0.00006; TOPMed 0.00004; gnomAD 0.00002; ExAC 0.00004.

Submissions (3):

Labcorp Genetics (formerly Invitae), Labcorp
Classification: Likely benign. Last evaluated: 2024-11-04. Review status: criteria provided, single submitter. Criteria: Invitae Variant Classification Sherloc (09022015). Collection method: clinical testing. Allele origin: germline.

Illumina Laboratory Services, Illumina
Classification: Likely benign for Idiopathic basal ganglia calcification 1. Last evaluated: 2018-01-13. Review status: criteria provided, single submitter. Criteria: ICSL Variant Classification Criteria 13 December 2019. Collection method: clinical testing. Allele origin: germline.
Comment: This variant was observed in the ICSL laboratory as part of a predisposition screen in an ostensibly healthy population. It had not been previously curated by ICSL or reported in the Human Gene Mutation Database (HGMD: prior to June 1st, 2018), and was therefore a candidate for classification through an automated scoring system. Utilizing variant allele frequency, disease prevalence and penetrance estimates, and inheritance mode, an automated score was calculated to assess if this variant is too frequent to cause the disease. Based on the score and internal cut-off values, a variant classified as likely benign is not then subjected to further curation. The score for this variant resulted in a classification of likely benign for this disease.

PreventionGenetics, part of Exact Sciences
Classification: Likely benign for SLC20A2-related condition. Last evaluated: 2023-12-19. Review status: no assertion criteria provided. Collection method: clinical testing. Allele origin: germline. Not counted in ClinVar's aggregate classification.
Comment: This variant is classified as likely benign based on ACMG/AMP sequence variant interpretation guidelines (Richards et al. 2015 PMID: 25741868, with internal and published modifications).